The following is an entry in ClinVar:

ClinVar aggregate classification (germline): Uncertain significance (1 of 4 stars; one submission).

Conditions:
Neurodevelopmental disorder with or without hyperkinetic movements and seizures, autosomal dominant. Also called: Intellectual disability, autosomal dominant 8. Identifiers: MedGen C3280282, MONDO:0013655, OMIM 614254.

Submission:

3billion
Classification: Uncertain significance for Neurodevelopmental disorder with or without hyperkinetic movements and seizures, autosomal dominant. Last evaluated: 2024-01-29. Review status: criteria provided, single submitter. Criteria: ACMG Guidelines, 2015. Collection method: clinical testing. Allele origin: germline. Affected: yes.
Comment: The variant is not observed in the gnomAD v2.1.1 dataset. Predicted Consequence/Location: Missense changes are a common disease-causing mechanism. In silico tool predictions suggest damaging effect of the variant on gene or gene product [REVEL: 0.66 (>=0.6, sensitivity 0.68 and specificity 0.92); 3Cnet: 0.99 (>=0.6, sensitivity 0.72 and precision 0.9)]. Therefore, this variant is classified as VUS according to the recommendation of ACMG/AMP guideline.

NM_007327.4(GRIN1):c.1942A>C (p.Thr648Pro)

Gene: GRIN1 (glutamate ionotropic receptor NMDA type subunit 1; plus strand). Cytogenetic location: 9q34.3.
Variant type: single nucleotide variant.
Coding change: c.1942A>C on transcript NM_007327.4 (MANE Select); coding-DNA position 1942, A replaced by C.
Protein change: p.Thr648Pro; replaces threonine 648 with proline.
Molecular consequence: missense variant.
Genome position (GRCh38, 1-based): chr9:137,162,668, A>C. VCF-style: chr9-137162668-A-C. GRCh37 (hg19) VCF-style: chr9-140057120-A-C.
Other names: c.1942A>C, p.Thr648Pro (NM_000832.7, NM_021569.4); c.2005A>C, p.Thr669Pro (NM_001185090.2, NM_001185091.2); short protein forms T648P, T669P.
Identifiers: ClinVar variation 3775849 (VCV003775849.1).